The following is an entry in ClinVar:

ClinVar aggregate classification (germline): Conflicting classifications of pathogenicity. Review status: criteria provided, conflicting classifications (1 of 4 stars). 4 submissions from 4 submitters: Uncertain significance (2); Benign (2). Last evaluated 2026-07-27.

Conditions:
Hereditary cancer-predisposing syndrome. Also called: Hereditary neoplastic syndrome; Hereditary Cancer Syndrome; Neoplastic Syndromes, Hereditary; Tumor predisposition. Identifiers: Orphanet 140162, MedGen C0027672, MeSH D009386, MONDO:0015356.
Tuberous sclerosis 2 (TSC2). Identifiers: Orphanet 805, MedGen C1860707, MONDO:0013199, OMIM 613254.

Submissions (4):

Ambry Genetics
Classification: Uncertain significance for Hereditary cancer-predisposing syndrome. Last evaluated: 2026-07-27. Review status: criteria provided, single submitter. Criteria: Ambry Variant Classification Scheme 2023. Collection method: clinical testing. Allele origin: germline.
Comment: The c.5051_5068+50dup68 variant results from a duplication of 68 nucleotides between positions c.5051 and 5068+50 and involves the canonical splice donor site after coding exon 38 of the TSC2 gene. Note, this variant is also referred to as c.5061_5069-47dup in the literature. This variant was reported in a fetus with possible features consistent with tuberous sclerosis complex. However, the fetus also harbored a frameshift variant in TSC2 (Milon V et al. Eur J Hum Genet, 2024 Dec;32:1590-1598). In silico splice site analysis predicts that this alteration will weaken the native splice donor site and will result in the creation or strengthening of a novel splice donor site. However, RNA studies have demonstrated that this variant does not result in abnormal splicing in the set of samples tested (Ambry internal data). The canonical splice donor site is highly conserved in available vertebrate species. Based on the available evidence, the clinical significance of this variant remains unclear.

Labcorp Genetics (formerly Invitae), Labcorp
Classification: Benign for Tuberous sclerosis 2. Last evaluated: 2025-11-10. Review status: criteria provided, single submitter. Criteria: Invitae Variant Classification Sherloc (09022015). Collection method: clinical testing. Allele origin: germline.

Quest Diagnostics Nichols Institute San Juan Capistrano
Classification: Benign. Last evaluated: 2025-06-04. Review status: criteria provided, single submitter. Criteria: Quest Diagnostics criteria. Collection method: clinical testing. Allele origin: unknown.

Mayo Clinic Laboratories, Mayo Clinic
Classification: Uncertain significance. Last evaluated: 2023-04-06. Review status: criteria provided, single submitter. Criteria: ACMG Guidelines, 2015. Collection method: clinical testing. Allele origin: germline. Observed: 1 variant allele.
Comment: PM2_supporting

Literature cited by the submitters: PubMed 38806662 (cited by Ambry Genetics).

NM_000548.5(TSC2):c.5061_5069-47dup

Gene: TSC2 (TSC complex subunit 2; plus strand). Cytogenetic location: 16p13.3.
Variant type: Microsatellite.
Coding change: c.5061_5069-47dup on transcript NM_000548.5 (MANE Select); coding-DNA position 5061 through 47 bases into the intron before coding-DNA position 5069, this stretch duplicated.
Molecular consequence: splice donor variant.
Genome position: GRCh38, VCF-style position (the base before the change): chr16:2,087,923. GRCh37 (hg19), VCF-style position (the base before the change): chr16:2,137,924.
Other names: p.?; c.5061_5069-47dup (NM_000548.3); c.5051_5068+50dup68 (NM_000548.3).
Identifiers: ClinVar variation 2683333 (VCV002683333.5), ClinGen allele CA620705058.